The following is an entry in ClinVar:

ClinVar aggregate classification (germline): Pathogenic/Likely pathogenic. Review status: criteria provided, multiple submitters, no conflicts (2 of 4 stars). 2 submissions from 2 submitters: Pathogenic (1); Likely pathogenic (1). Last evaluated 2023-08-23.

Conditions:
Arthrogryposis multiplex congenita 6. Identifiers: MedGen C5543431, MONDO:0030281, OMIM 619334.
Nemaline myopathy 2 (NEM2). Also called: Nemaline myopathy 2, autosomal recessive. Identifiers: MedGen C1850569, MONDO:0009725, OMIM 256030.

Submissions (2):

Labcorp Genetics (formerly Invitae), Labcorp
Classification: Pathogenic for Nemaline myopathy 2. Last evaluated: 2023-08-23. Review status: criteria provided, single submitter. Criteria: Invitae Variant Classification Sherloc (09022015). Collection method: clinical testing. Allele origin: germline.
Comment: This sequence change creates a premature translational stop signal (p.Arg2516*) in the NEB gene. It is expected to result in an absent or disrupted protein product. Loss-of-function variants in NEB are known to be pathogenic (PMID: 25205138). This variant is present in population databases (no rsID available, gnomAD no frequency). This variant has not been reported in the literature in individuals affected with NEB-related conditions. ClinVar contains an entry for this variant (Variation ID: 1924069). For these reasons, this variant has been classified as Pathogenic.

Baylor Genetics
Classification: Likely pathogenic for Arthrogryposis multiplex congenita 6. Last evaluated: 2023-01-19. Review status: criteria provided, single submitter. Criteria: ACMG Guidelines, 2015. Collection method: clinical testing. Allele origin: unknown.

Literature cited by the submitters: PubMed 25205138 (cited by Labcorp Genetics (formerly Invitae), Labcorp).

NM_001164508.2(NEB):c.7546C>T (p.Arg2516Ter)

Gene: NEB (nebulin; minus strand). Cytogenetic location: 2q23.3.
Variant type: single nucleotide variant.
Coding change: c.7546C>T on transcript NM_001164508.2 (MANE Select); coding-DNA position 7546, C replaced by T.
Protein change: p.Arg2516Ter; replaces arginine 2516 with a stop codon.
Molecular consequence: nonsense.
Genome position (GRCh38, 1-based): chr2:151,644,566, G>A on the plus strand (C>T on the coding strand, the complement: NEB is on the minus strand). VCF-style: chr2-151644566-G-A. GRCh37 (hg19) VCF-style: chr2-152501080-G-A.
Other names: c.7546C>T, p.Arg2516Ter (NM_001164507.2, NM_001271208.2, NM_004543.5); short protein forms R2516*.
Identifiers: ClinVar variation 1924069 (VCV001924069.6), dbSNP rs1248414885, ClinGen allele CA348783516.